The following is an entry in ClinVar:

ClinVar aggregate classification (germline): Uncertain significance (1 of 4 stars; one submission).

Conditions:
MYRF-related disorder. Also called: MYRF-related condition; MYRF-related disorders.

Submission:

PreventionGenetics, part of Exact Sciences
Classification: Uncertain significance for MYRF-related condition. Last evaluated: 2023-08-15. Review status: criteria provided, single submitter. Criteria: ACMG Guidelines, 2015. Collection method: clinical testing. Allele origin: germline.
Comment: The MYRF c.1892C>A variant is predicted to result in the amino acid substitution p.Ala631Glu. To our knowledge, this variant has not been reported in the literature or in a large population database, indicating this variant is rare. At this time, the clinical significance of this variant is uncertain due to the absence of conclusive functional and genetic evidence.

NM_001127392.3(MYRF):c.1892C>A (p.Ala631Glu)

Gene: MYRF (myelin regulatory factor; plus strand). Cytogenetic location: 11q12.2.
Variant type: single nucleotide variant.
Coding change: c.1892C>A on transcript NM_001127392.3 (MANE Select); coding-DNA position 1892, C replaced by A.
Protein change: p.Ala631Glu; replaces alanine 631 with glutamic acid.
Molecular consequence: missense variant.
Genome position (GRCh38, 1-based): chr11:61,777,834, C>A. VCF-style: chr11-61777834-C-A. GRCh37 (hg19) VCF-style: chr11-61545306-C-A.
Other names: c.1865C>A, p.Ala622Glu (NM_013279.4); short protein forms A622E, A631E.
Identifiers: ClinVar variation 2631378 (VCV002631378.1), dbSNP rs2540964751, ClinGen allele CA380856833.
Genomic context (GRCh38, chr11:61,777,834, plus strand): 5'-GGCTGGTGCACTACAGATACAAGCCCGAGTTCGCCGCCAGCGCGGGCATCGAGGCCACCG[C>A]GCCAGAGACAGGTAGGGACCGGGCTGGTGCGGACTGGGGTCCGGAAACCCAGAAACCTCG-3'
Protein context (NP_001120864.1, residues 621-641): FAASAGIEAT[Ala631Glu]PETGVIAQEV